The following is an entry in ClinVar:

ClinVar aggregate classification (germline): Benign/Likely benign. Review status: criteria provided, multiple submitters, no conflicts (2 of 4 stars). 3 submissions from 3 submitters: Benign (1); Likely benign (2). Last evaluated 2023-03-01.

Conditions:
Early-onset generalized limb-onset dystonia. Also called: DYSTONIA 1, TORSION, AUTOSOMAL DOMINANT; Oppenheim's dystonia; Dystonia 1, modifier of; Early onset torsion dystonia; DYT1 Early-Onset Primary Dystonia; Dystonia-1, torsion. Identifiers: Orphanet 256, MedGen C1851945, MONDO:0007492, OMIM 128100.

Allele frequency attached by ClinVar (database versions not stated): 1000 Genomes Project 0.00260; 1000 Genomes Project 30x 0.00328; gnomAD 0.00610 and 0.00636; TOPMed 0.00643; gnomAD exomes 0.00831.
gnomAD v4.1: 6,123 of 777,894 alleles (0.79%); highest among the groups gnomAD compares: Non-Finnish European, 1.1%; 38 homozygotes.

Submissions (3):

CeGaT Center for Human Genetics Tuebingen
Classification: Benign. Last evaluated: 2023-03-01. Review status: criteria provided, single submitter. Criteria: CeGaT Center For Human Genetics Tuebingen Variant Classification Criteria Version 2. Collection method: clinical testing. Allele origin: germline. Affected: yes. Observed: 3 variant alleles.
Comment: TOR1A: BS1, BS2

Illumina Laboratory Services, Illumina
Classification: Likely benign for Early-onset generalized limb-onset dystonia. Last evaluated: 2018-01-13. Review status: criteria provided, single submitter. Criteria: ICSL Variant Classification Criteria 13 December 2019. Collection method: clinical testing. Allele origin: germline.
Comment: This variant was observed in the ICSL laboratory as part of a predisposition screen in an ostensibly healthy population. It had not been previously curated by ICSL or reported in the Human Gene Mutation Database (HGMD: prior to June 1st, 2018), and was therefore a candidate for classification through an automated scoring system. Utilizing variant allele frequency, disease prevalence and penetrance estimates, and inheritance mode, an automated score was calculated to assess if this variant is too frequent to cause the disease. Based on the score and internal cut-off values, a variant classified as likely benign is not then subjected to further curation. The score for this variant resulted in a classification of likely benign for this disease.

Breakthrough Genomics
Classification: Likely benign. Review status: criteria provided, single submitter. Criteria: ACMG Guidelines, 2015. Collection method: not provided. Allele origin: germline. Inheritance: Autosomal recessive inheritance. Affected: yes.

NM_000113.3(TOR1A):c.*193G>A

Gene: TOR1A (torsin family 1 member A; minus strand). Cytogenetic location: 9q34.11.
Variant type: single nucleotide variant.
Coding change: c.*193G>A on transcript NM_000113.3 (MANE Select); 193 bases downstream of the stop codon, G replaced by A.
Molecular consequence: 3 prime UTR variant.
Genome position (GRCh38, 1-based): chr9:129,813,779, C>T on the plus strand (G>A on the coding strand, the complement: TOR1A is on the minus strand). VCF-style: chr9-129813779-C-T. GRCh37 (hg19) VCF-style: chr9-132576058-C-T.
Identifiers: ClinVar variation 912677 (VCV000912677.33), dbSNP rs151084518, ClinGen allele CA200533607.